The following is an entry in ClinVar:

ClinVar aggregate classification (germline): Likely pathogenic (1 of 4 stars; one submission).

Conditions:
Mucopolysaccharidosis, MPS-III-D (MPS3D). Also called: MPS IIID (Sanfilippo Syndrome Type D); MUCOPOLYSACCHARIDOSIS, TYPE IIID; N-ACETYLGLUCOSAMINE-6-SULFATASE DEFICIENCY; SANFILIPPO SYNDROME D; MPS III D; Mucopoly-saccharidosis type 3D. Identifiers: Orphanet 581, Orphanet 79272, MedGen C0086650, MONDO:0009658, OMIM 252940.

Submission:

Labcorp Genetics (formerly Invitae), Labcorp
Classification: Likely pathogenic for Mucopolysaccharidosis, MPS-III-D. Last evaluated: 2020-08-10. Review status: criteria provided, single submitter. Criteria: Invitae Variant Classification Sherloc (09022015). Collection method: clinical testing. Allele origin: germline.
Comment: This variant results in a copy number gain of the genomic region encompassing exon(s) 2-8 of the GNS gene. While the exact position of this variant cannot be determined from the data, sub-genic copy number gains are generally in tandem (PMID: 25640679). This variant is predicted to be out-of-frame, and may result in an absent or disrupted protein product. This variant has not been reported in the literature in individuals with GNS-related conditions. Loss-of-function variants in GNS are known to be pathogenic (PMID: 20232353). In summary, the currently available evidence indicates that the variant is pathogenic, but additional data are needed to prove that conclusively. Therefore, this variant has been classified as Likely Pathogenic.

Literature cited by the submitters: PubMed 25640679; PubMed 20232353.

NC_000012.11:g.(?_65133151)_(65146547_?)dup

Gene: GNS (glucosamine (N-acetyl)-6-sulfatase; minus strand). Cytogenetic location: 12q14.3.
Variant type: Duplication.
Identifiers: ClinVar variation 1066138 (VCV001066138.4).